The following is an entry in ClinVar:

NM_005228.5(EGFR):c.797C>A (p.Pro266Gln)

Gene: EGFR (epidermal growth factor receptor; plus strand). Cytogenetic location: 7p11.2.
Variant type: single nucleotide variant.
Coding change: c.797C>A on transcript NM_005228.5 (MANE Select); coding-DNA position 797, C replaced by A.
Protein change: p.Pro266Gln; replaces proline 266 with glutamine.
Molecular consequence: missense variant. On other transcripts: intron variant (1).
Genome position (GRCh38, 1-based): chr7:55,154,060, C>A. VCF-style: chr7-55154060-C-A. GRCh37 (hg19) VCF-style: chr7-55221753-C-A.
Other names: c.662C>A, p.Pro221Gln (NM_001346897.2, NM_001346899.2); c.797C>A, p.Pro266Gln (NM_001346898.2, NM_201282.2, NM_201283.2 and 1 more transcripts); c.638C>A, p.Pro213Gln (NM_001346900.2); c.89-1770C>A (NM_001346941.2); short protein forms P266Q, P213Q, P221Q.
Identifiers: ClinVar variation 584688 (VCV000584688.12), dbSNP rs17336639, ClinGen allele CA4265367.

ClinVar aggregate classification (germline): Uncertain significance. Review status: criteria provided, multiple submitters, no conflicts (2 of 4 stars). 3 submissions from 3 submitters: Uncertain significance (3). Last evaluated 2025-12-10.

Conditions:
Hereditary cancer-predisposing syndrome. Also called: Neoplastic Syndromes, Hereditary; Hereditary Cancer Syndrome; Tumor predisposition; Hereditary neoplastic syndrome. Identifiers: Orphanet 140162, MedGen C0027672, MeSH D009386, MONDO:0015356.
Hereditary cancer. Identifiers: MedGen C1333600.
EGFR-related lung cancer (EGFR). Identifiers: MedGen CN130014.

Allele frequency attached by ClinVar (database versions not stated): TOPMed 0.00002; ESP Exome Variant Server 0.00008.
gnomAD v4.1: 21 of 1,614,116 alleles (0.0013%); highest among the groups gnomAD compares: South Asian, 0.0088%; no homozygotes.

Submissions (3):

Labcorp Genetics (formerly Invitae), Labcorp
Classification: Uncertain significance for EGFR-related lung cancer. Last evaluated: 2025-12-10. Review status: criteria provided, single submitter. Criteria: Invitae Variant Classification Sherloc (09022015). Collection method: clinical testing. Allele origin: germline.
Comment: This sequence change replaces proline, which is neutral and non-polar, with glutamine, which is neutral and polar, at codon 266 of the EGFR protein (p.Pro266Gln). This variant is present in population databases (rs17336639, gnomAD 0.007%). This missense change has been observed in individual(s) with clinical features of EGFR-related conditions (PMID: 35264596). ClinVar contains an entry for this variant (Variation ID: 584688). Invitae Evidence Modeling of protein sequence and biophysical properties (such as structural, functional, and spatial information, amino acid conservation, physicochemical variation, residue mobility, and thermodynamic stability) indicates that this missense variant is not expected to disrupt EGFR protein function with a negative predictive value of 80%. In summary, the available evidence is currently insufficient to determine the role of this variant in disease. Therefore, it has been classified as a Variant of Uncertain Significance.

Ambry Genetics
Classification: Uncertain significance for Hereditary cancer-predisposing syndrome. Last evaluated: 2024-10-17. Review status: criteria provided, single submitter. Criteria: Ambry Variant Classification Scheme 2023. Collection method: clinical testing. Allele origin: germline.
Comment: The p.P266Q variant (also known as c.797C>A), located in coding exon 7 of the EGFR gene, results from a C to A substitution at nucleotide position 797. The proline at codon 266 is replaced by glutamine, an amino acid with similar properties. This amino acid position is not well conserved in available vertebrate species. In addition, this alteration is predicted to be tolerated by in silico analysis. Based on the available evidence, the clinical significance of this variant remains unclear.

Mendelics
Classification: Uncertain significance for Hereditary cancer. Last evaluated: 2018-07-02. Review status: criteria provided, single submitter. Criteria: Mendelics Assertion Criteria 2017. Collection method: clinical testing. Allele origin: unknown.

Literature cited by the submitters: PubMed 35264596 (cited by Labcorp Genetics (formerly Invitae), Labcorp).